The following is an entry in ClinVar:

NM_021098.3(CACNA1H):c.6418G>A (p.Ala2140Thr)

Gene: CACNA1H (calcium voltage-gated channel subunit alpha1 H; plus strand). Cytogenetic location: 16p13.3.
Variant type: single nucleotide variant.
Coding change: c.6418G>A on transcript NM_021098.3 (MANE Select); coding-DNA position 6418, G replaced by A.
Protein change: p.Ala2140Thr; replaces alanine 2140 with threonine.
Molecular consequence: missense variant.
Genome position (GRCh38, 1-based): chr16:1,220,350, G>A. VCF-style: chr16-1220350-G-A. GRCh37 (hg19) VCF-style: chr16-1270350-G-A.
Other names: c.6400G>A, p.Ala2134Thr (NM_001005407.2); short protein forms A2134T, A2140T.
Identifiers: ClinVar variation 718203 (VCV000718203.33), dbSNP rs59487037, ClinGen allele CA7802355.

ClinVar aggregate classification (germline): Benign/Likely benign. Review status: criteria provided, multiple submitters, no conflicts (2 of 4 stars). 7 submissions from 7 submitters: Benign (2); Likely benign (2). 3 of the submissions do not count toward it. Last evaluated 2025-03-04.

Conditions:
CACNA1H-related disorder.

Allele frequency attached by ClinVar (database versions not stated): 1000 Genomes Project 0.00040; 1000 Genomes Project 30x 0.00047; ESP Exome Variant Server 0.00066; TOPMed 0.00186; gnomAD 0.00228 and 0.00237; gnomAD exomes 0.00255 and 0.00284; ExAC 0.00303.
gnomAD v4.1: 4,217 of 1,527,028 alleles (0.28%); highest among the groups gnomAD compares: Non-Finnish European, 0.33%; 16 homozygotes.

Submissions (7):

Center for Genomic Medicine, Rigshospitalet, Copenhagen University Hospital
Classification: Likely benign. Last evaluated: 2025-03-04. Review status: criteria provided, single submitter. Criteria: ACMG Guidelines, 2015. Collection method: clinical testing. Allele origin: germline.

Blueprint Genetics
Classification: Likely benign. Last evaluated: 2024-11-15. Review status: criteria provided, single submitter. Criteria: ACMG Guidelines, 2015. Collection method: clinical testing. Allele origin: germline.

CeGaT Center for Human Genetics Tuebingen
Classification: Benign. Last evaluated: 2023-07-01. Review status: criteria provided, single submitter. Criteria: CeGaT Center For Human Genetics Tuebingen Variant Classification Criteria Version 2. Collection method: clinical testing. Allele origin: germline. Affected: yes. Observed: 2 variant alleles.
Comment: CACNA1H: BS1, BS2

Labcorp Genetics (formerly Invitae), Labcorp
Classification: Benign. Last evaluated: 2018-10-12. Review status: criteria provided, single submitter. Criteria: Invitae Variant Classification Sherloc (09022015). Collection method: clinical testing. Allele origin: germline.

PreventionGenetics, part of Exact Sciences
Classification: Likely benign for CACNA1H-related condition. Last evaluated: 2019-03-12. Review status: no assertion criteria provided. Collection method: clinical testing. Allele origin: germline. Not counted in ClinVar's aggregate classification.
Comment: This variant is classified as likely benign based on ACMG/AMP sequence variant interpretation guidelines (Richards et al. 2015 PMID: 25741868, with internal and published modifications).

Clinical Genetics DNA and cytogenetics Diagnostics Lab, Erasmus MC, Erasmus Medical Center
Classification: Likely benign. Review status: no assertion criteria provided. Collection method: clinical testing. Allele origin: germline. Affected: yes. Study: VKGL Data-share Consensus. Not counted in ClinVar's aggregate classification.

Genome Diagnostics Laboratory, University Medical Center Utrecht
Classification: Likely benign. Review status: no assertion criteria provided. Collection method: clinical testing. Allele origin: germline. Affected: yes. Study: VKGL Data-share Consensus. Not counted in ClinVar's aggregate classification.